The following is an entry in ClinVar:

NM_058216.3(RAD51C):c.610A>G (p.Ile204Val)

Genes: RAD51C (RAD51 paralog C; plus strand), LOC129390903 (MPRA-validated peak2919 silencer; plus strand). Cytogenetic location: 17q22.
Variant type: single nucleotide variant.
Coding change: c.610A>G on transcript NM_058216.3 (MANE Select); coding-DNA position 610, A replaced by G.
Protein change: p.Ile204Val; replaces isoleucine 204 with valine.
Molecular consequence: missense variant. On other transcripts: non-coding transcript variant (1).
Genome position (GRCh38, 1-based): chr17:58,703,234, A>G. VCF-style: chr17-58703234-A-G. GRCh37 (hg19) VCF-style: chr17-56780595-A-G.
Other names: short protein forms I204V.
Identifiers: ClinVar variation 658812 (VCV000658812.15), dbSNP rs1598473225, ClinGen allele CA400349301.

ClinVar aggregate classification (germline): Conflicting classifications of pathogenicity. Review status: criteria provided, conflicting classifications (1 of 4 stars). 2 submissions from 2 submitters: Uncertain significance (1); Benign (1). Last evaluated 2025-10-28.

Conditions:
Fanconi anemia complementation group O. Also called: RAD51C-Related Fanconi Anemia. Identifiers: Orphanet 84, MedGen C3150653, MONDO:0013248, OMIM 613390.
Hereditary cancer-predisposing syndrome. Also called: Neoplastic Syndromes, Hereditary; Hereditary neoplastic syndrome; Hereditary Cancer Syndrome; Tumor predisposition. Identifiers: Orphanet 140162, MedGen C0027672, MeSH D009386, MONDO:0015356.

Allele frequency attached by ClinVar (database versions not stated): gnomAD exomes below 0.00001.
gnomAD v4.1: 1 of 1,608,430 alleles (0.000062%); highest among the groups gnomAD compares: Non-Finnish European, 0.000085%; no homozygotes.

Submissions (2):

Ambry Genetics
Classification: Benign for Hereditary cancer-predisposing syndrome. Last evaluated: 2025-10-28. Review status: criteria provided, single submitter. Criteria: Ambry Variant Classification Scheme 2023. Collection method: clinical testing. Allele origin: germline.

Labcorp Genetics (formerly Invitae), Labcorp
Classification: Uncertain significance for Fanconi anemia complementation group O. Last evaluated: 2024-05-23. Review status: criteria provided, single submitter. Criteria: Invitae Variant Classification Sherloc (09022015). Collection method: clinical testing. Allele origin: germline.
Comment: This sequence change replaces isoleucine, which is neutral and non-polar, with valine, which is neutral and non-polar, at codon 204 of the RAD51C protein (p.Ile204Val). This variant is not present in population databases (gnomAD no frequency). This variant has not been reported in the literature in individuals affected with RAD51C-related conditions. ClinVar contains an entry for this variant (Variation ID: 658812). Advanced modeling of protein sequence and biophysical properties (such as structural, functional, and spatial information, amino acid conservation, physicochemical variation, residue mobility, and thermodynamic stability) performed at Invitae indicates that this missense variant is not expected to disrupt RAD51C protein function with a negative predictive value of 80%. In summary, the available evidence is currently insufficient to determine the role of this variant in disease. Therefore, it has been classified as a Variant of Uncertain Significance.